The following is an entry in ClinVar:

NM_000264.5(PTCH1):c.752A>G (p.Lys251Arg)

Gene: PTCH1 (patched 1; minus strand). Cytogenetic location: 9q22.32.
Variant type: single nucleotide variant.
Coding change: c.752A>G on transcript NM_000264.5 (MANE Select); coding-DNA position 752, A replaced by G.
Protein change: p.Lys251Arg; replaces lysine 251 with arginine.
Molecular consequence: missense variant. On other transcripts: non-coding transcript variant (1).
Genome position (GRCh38, 1-based): chr9:95,480,583, T>C on the plus strand (A>G on the coding strand, the complement: PTCH1 is on the minus strand). VCF-style: chr9-95480583-T-C. GRCh37 (hg19) VCF-style: chr9-98242865-T-C.
Other names: c.554A>G, p.Lys185Arg (NM_001083602.3); c.749A>G, p.Lys250Arg (NM_001083603.3); c.299A>G, p.Lys100Arg (NM_001083604.3, NM_001083605.3, NM_001083606.3 and 1 more transcripts); c.752A>G, p.Lys251Arg (NM_001354918.2); short protein forms K100R, K185R, K250R, K251R.
Identifiers: ClinVar variation 948622 (VCV000948622.11), dbSNP rs754650075, ClinGen allele CA5138845.

ClinVar aggregate classification (germline): Conflicting classifications of pathogenicity. Review status: criteria provided, conflicting classifications (1 of 4 stars). 2 submissions from 2 submitters: Uncertain significance (1); Benign (1). Last evaluated 2024-10-31.

Conditions:
Gorlin syndrome. Also called: Nevoid Basal Cell Carcinoma Syndrome; Basal cell nevus syndrome. Identifiers: Orphanet 377, MedGen C0004779, MONDO:0007187.
Hereditary cancer-predisposing syndrome. Also called: Neoplastic Syndromes, Hereditary; Hereditary neoplastic syndrome; Hereditary Cancer Syndrome; Tumor predisposition. Identifiers: Orphanet 140162, MedGen C0027672, MeSH D009386, MONDO:0015356.

Allele frequency attached by ClinVar (database versions not stated): ExAC 0.00001; gnomAD exomes 0.00001.
gnomAD v4.1: 10 of 1,613,402 alleles (0.00062%); highest among the groups gnomAD compares: South Asian, 0.011%; 1 homozygote.

Submissions (2):

Labcorp Genetics (formerly Invitae), Labcorp
Classification: Benign for Gorlin syndrome. Last evaluated: 2024-10-31. Review status: criteria provided, single submitter. Criteria: Invitae Variant Classification Sherloc (09022015). Collection method: clinical testing. Allele origin: germline.

Ambry Genetics
Classification: Uncertain significance for Hereditary cancer-predisposing syndrome. Last evaluated: 2023-11-03. Review status: criteria provided, single submitter. Criteria: Ambry Variant Classification Scheme 2023. Collection method: clinical testing. Allele origin: germline.
Comment: The p.K251R variant (also known as c.752A>G), located in coding exon 6 of the PTCH1 gene, results from an A to G substitution at nucleotide position 752. The lysine at codon 251 is replaced by arginine, an amino acid with highly similar properties. This amino acid position is conserved. In addition, this alteration is predicted to be tolerated by in silico analysis. Since supporting evidence is limited at this time, the clinical significance of this alteration remains unclear.